The following is an entry in ClinVar:

NM_000195.5(HPS1):c.1003C>G (p.Leu335Val)

Gene: HPS1 (HPS1 biogenesis of lysosomal organelles complex 3 subunit 1; minus strand). Cytogenetic location: 10q24.2.
Variant type: single nucleotide variant.
Coding change: c.1003C>G on transcript NM_000195.5 (MANE Select); coding-DNA position 1003, C replaced by G.
Protein change: p.Leu335Val; replaces leucine 335 with valine.
Molecular consequence: missense variant.
Genome position (GRCh38, 1-based): chr10:98,425,970, G>C on the plus strand (C>G on the coding strand, the complement: HPS1 is on the minus strand). VCF-style: chr10-98425970-G-C. GRCh37 (hg19) VCF-style: chr10-100185727-G-C.
Other names: c.31C>G, p.Leu11Val (NM_001311345.2, NM_001322487.2, NM_001322489.2); c.1003C>G, p.Leu335Val (NM_001322476.2, NM_001322477.2); c.904C>G, p.Leu302Val (NM_001322478.2, NM_001322479.2); c.742C>G, p.Leu248Val (NM_001322480.2, NM_001322481.2); c.643C>G, p.Leu215Val (NM_001322482.2); c.634C>G, p.Leu212Val (NM_001322483.2, NM_001322484.2); c.535C>G, p.Leu179Val (NM_001322485.2); short protein forms L179V, L335V, L11V, L248V, L212V, L215V, L302V.
Identifiers: ClinVar variation 1906674 (VCV001906674.2), dbSNP rs758361078, ClinGen allele CA212764159.

ClinVar aggregate classification (germline): Uncertain significance (1 of 4 stars; one submission).

Allele frequency attached by ClinVar (database versions not stated): gnomAD 0.00011; TOPMed 0.00012.
gnomAD v4.1: 22 of 1,613,962 alleles (0.0014%); highest among the groups gnomAD compares: Admixed American, 0.032%; no homozygotes.

Submission:

Labcorp Genetics (formerly Invitae), Labcorp
Classification: Uncertain significance. Last evaluated: 2022-06-14. Review status: criteria provided, single submitter. Criteria: Invitae Variant Classification Sherloc (09022015). Collection method: clinical testing. Allele origin: germline.
Comment: This sequence change replaces leucine, which is neutral and non-polar, with valine, which is neutral and non-polar, at codon 335 of the HPS1 protein (p.Leu335Val). This variant is present in population databases (rs758361078, gnomAD 0.01%). This variant has not been reported in the literature in individuals affected with HPS1-related conditions. Algorithms developed to predict the effect of missense changes on protein structure and function (SIFT, PolyPhen-2, Align-GVGD) all suggest that this variant is likely to be tolerated. In summary, the available evidence is currently insufficient to determine the role of this variant in disease. Therefore, it has been classified as a Variant of Uncertain Significance.